The following is an entry in ClinVar:

ClinVar aggregate classification (germline): Pathogenic (1 of 4 stars; one submission).

Conditions:
Familial adenomatous polyposis 1 (FAP1). Also called: FAMILIAL ADENOMATOUS POLYPOSIS 1, ATTENUATED; POLYPOSIS, ADENOMATOUS INTESTINAL. Identifiers: MedGen C2713442, MONDO:0021056, OMIM 175100. Disease mechanism: loss of function.

Submission:

Myriad Genetics, Inc.
Classification: Pathogenic for Familial adenomatous polyposis 1. Last evaluated: 2023-05-08. Review status: criteria provided, single submitter. Criteria: Myriad Autosomal Dominant, Autosomal Recessive and X-Linked Classification Criteria (2023). Collection method: clinical testing. Allele origin: unknown.
Comment: This variant is considered pathogenic. This variant creates a frameshift predicted to result in premature protein truncation.

NM_000038.6(APC):c.3311dup (p.Arg1105fs)

Gene: APC (APC regulator of Wnt signaling pathway; plus strand). Cytogenetic location: 5q22.2.
Variant type: Duplication.
Coding change: c.3311dup on transcript NM_000038.6 (MANE Select); coding-DNA position 3311, one base duplicated (C; older notation c.3311dupC).
Protein change: p.Arg1105fs; shifts the reading frame from arginine 1105.
Molecular consequence: frameshift variant. On other transcripts: non-coding transcript variant (2).
Genome position (GRCh38, 1-based): chr5:112,838,905, C duplicated. VCF-style (leftmost placement, unchanged base first): chr5-112838904-T-TC. GRCh37 (hg19) VCF-style: chr5-112174601-T-TC.
Other names: c.3311dup, p.Arg1105fs (NM_001127510.3, NM_001354895.2, NM_001407450.1); c.3257dup, p.Arg1087fs (NM_001127511.3); c.3365dup, p.Arg1123fs (NM_001354896.2, NM_001407447.1, NM_001407448.1 and 1 more transcripts); c.3341dup, p.Arg1115fs (NM_001354897.2); c.3236dup, p.Arg1080fs (NM_001354898.2); c.3227dup, p.Arg1077fs (NM_001354899.2); c.3188dup, p.Arg1064fs (NM_001354900.2); c.3134dup, p.Arg1046fs (NM_001354901.2, NM_001407453.1); and 11 more; short protein forms R1004fs, R1014fs, R1022fs, R1046fs, R1064fs, R1077fs, R1080fs, R1087fs.
Identifiers: ClinVar variation 2584194 (VCV002584194.1), dbSNP rs2533488825, ClinGen allele CA2582341507.